The following is an entry in ClinVar:

ClinVar aggregate classification (germline): Uncertain significance (1 of 4 stars; one submission).

Conditions:
Hereditary cancer-predisposing syndrome. Also called: Hereditary neoplastic syndrome; Hereditary Cancer Syndrome; Neoplastic Syndromes, Hereditary; Tumor predisposition. Identifiers: Orphanet 140162, MedGen C0027672, MeSH D009386, MONDO:0015356.

Submission:

Color Diagnostics, LLC DBA Color Health
Classification: Uncertain significance for Hereditary cancer-predisposing syndrome. Last evaluated: 2023-09-13. Review status: criteria provided, single submitter. Criteria: ACMG Guidelines, 2015. Collection method: clinical testing. Allele origin: germline.
Comment: This missense variant replaces lysine with arginine at codon 885 of the MSH6 protein. Computational prediction suggests that this variant may not impact protein structure and function (internally defined REVEL score threshold <= 0.5, PMID: 27666373). To our knowledge, functional studies have not been reported for this variant. This variant has not been reported in individuals affected with MSH6-related disorders in the literature. This variant has not been identified in the general population by the Genome Aggregation Database (gnomAD). The available evidence is insufficient to determine the role of this variant in disease conclusively. Therefore, this variant is classified as a Variant of Uncertain Significance.

NM_000179.3(MSH6):c.2654A>G (p.Lys885Arg)

Gene: MSH6 (mutS homolog 6; plus strand). Cytogenetic location: 2p16.3.
Variant type: single nucleotide variant.
Coding change: c.2654A>G on transcript NM_000179.3 (MANE Select); coding-DNA position 2654, A replaced by G.
Protein change: p.Lys885Arg; replaces lysine 885 with arginine.
Molecular consequence: missense variant. On other transcripts: non-coding transcript variant (5), intron variant (3).
Genome position (GRCh38, 1-based): chr2:47,800,637, A>G. VCF-style: chr2-47800637-A-G. GRCh37 (hg19) VCF-style: chr2-48027776-A-G.
Other names: c.2264A>G, p.Lys755Arg (NM_001281492.2); c.1748A>G, p.Lys583Arg (NM_001281493.2, NM_001281494.2, NM_001406811.1 and 6 more transcripts); c.2750A>G, p.Lys917Arg (NM_001406795.1, NM_001406802.1); c.2654A>G, p.Lys885Arg (NM_001406796.1, NM_001406798.1, NM_001406800.1 and 2 more transcripts); c.2357A>G, p.Lys786Arg (NM_001406797.1, NM_001406801.1, NM_001406805.1 and 10 more transcripts); c.2129A>G, p.Lys710Arg (NM_001406799.1, NM_001406806.1, NM_001406807.1); c.2576A>G, p.Lys859Arg (NM_001406804.1); c.2660A>G, p.Lys887Arg (NM_001406813.1); and 4 more; short protein forms K583R, K786R, K829R, K710R, K755R, K885R, K859R, K887R.
Identifiers: ClinVar variation 2773652 (VCV002773652.2), dbSNP rs2104417221, ClinGen allele CA346755172.